The following is an entry in ClinVar:

ClinVar aggregate classification (germline): Benign/Likely benign. Review status: criteria provided, multiple submitters, no conflicts (2 of 4 stars). 3 submissions from 3 submitters: Benign (2); Likely benign (1). Last evaluated 2022-09-01.

Allele frequency attached by ClinVar (database versions not stated): gnomAD exomes 0.00069; ExAC 0.00076; 1000 Genomes Project 0.00240; gnomAD 0.00263 and 0.00280; TOPMed 0.00290; 1000 Genomes Project 30x 0.00328; ESP Exome Variant Server 0.00338.
gnomAD v4.1: 790 of 1,552,940 alleles (0.051%); highest among the groups gnomAD compares: African/African-American, 0.91%; 3 homozygotes.

Submissions (3):

CeGaT Center for Human Genetics Tuebingen
Classification: Likely benign. Last evaluated: 2022-09-01. Review status: criteria provided, single submitter. Criteria: CeGaT Center For Human Genetics Tuebingen Variant Classification Criteria Version 2. Collection method: clinical testing. Allele origin: germline. Affected: yes. Observed: 1 variant allele.
Comment: EIF3A: BP4, BP7

Labcorp Genetics (formerly Invitae), Labcorp
Classification: Benign. Last evaluated: 2017-11-14. Review status: criteria provided, single submitter. Criteria: Invitae Variant Classification Sherloc (09022015). Collection method: clinical testing. Allele origin: germline.

Breakthrough Genomics
Classification: Benign. Review status: criteria provided, single submitter. Criteria: ACMG Guidelines, 2015. Collection method: not provided. Allele origin: germline. Inheritance: Unknown mechanism. Affected: yes.

NM_003750.4(EIF3A):c.1216C>A (p.Arg406=)

Gene: EIF3A (eukaryotic translation initiation factor 3 subunit A; minus strand). Cytogenetic location: 10q26.11.
Variant type: single nucleotide variant.
Coding change: c.1216C>A on transcript NM_003750.4 (MANE Select); coding-DNA position 1216, C replaced by A.
Protein change: p.Arg406=; no amino-acid change (arginine 406 retained).
Molecular consequence: synonymous variant.
Genome position (GRCh38, 1-based): chr10:119,061,235, G>T on the plus strand (C>A on the coding strand, the complement: EIF3A is on the minus strand). VCF-style: chr10-119061235-G-T. GRCh37 (hg19) VCF-style: chr10-120820747-G-T.
Identifiers: ClinVar variation 716165 (VCV000716165.28), dbSNP rs149409844, ClinGen allele CA5713698.